The following is an entry in ClinVar:

ClinVar aggregate classification (germline): Benign. Review status: criteria provided, multiple submitters, no conflicts (2 of 4 stars). 11 submissions from 8 submitters: Benign (11). Last evaluated 2026-02-01.

Conditions:
Abortive cerebellar ataxia (BEHRS). Also called: OPTIC ATROPHY, INFANTILE HEREDITARY, WITH NEUROLOGIC ABNORMALITIES; Behr syndrome. Identifiers: Orphanet 1239, MedGen C0221061, MONDO:0008858, OMIM 210000.
Autosomal dominant optic atrophy classic form (OPA1). Also called: KJER-TYPE OPTIC ATROPHY; OPTIC ATROPHY, JUVENILE; Optic Atrophy Type 1. Identifiers: Orphanet 98673, MedGen C0338508, MONDO:0008134, OMIM 165500.
Mitochondrial DNA depletion syndrome 14B (cardioencephalomyopathic type). Also called: Mitochondrial DNA depletion syndrome 14 (encephalocardiomyopathic type); Mitochondrial DNA depletion syndrome 14 (cardioencephalomyopathic type). Identifiers: MedGen C6065890, MONDO:0014820, OMIM 616896.
Optic atrophy with or without deafness, ophthalmoplegia, myopathy, ataxia, and neuropathy. Also called: OPTIC ATROPHY PLUS SYNDROME. Identifiers: MedGen C3276549, MONDO:0007429, OMIM 125250.

Allele frequency attached by ClinVar (database versions not stated): gnomAD 0.00212 and 0.00285; ESP Exome Variant Server 0.00277; TOPMed 0.00289; gnomAD exomes 0.00407 and 0.00616; 1000 Genomes Project 30x 0.00640; ExAC 0.00645; 1000 Genomes Project 0.00699.
gnomAD v4.1: 6,414 of 1,614,114 alleles (0.4%); highest among the groups gnomAD compares: South Asian, 2.3%; 84 homozygotes.

Submissions (11):

Labcorp Genetics (formerly Invitae), Labcorp
Classification: Benign. Last evaluated: 2026-02-01. Review status: criteria provided, single submitter. Criteria: Invitae Variant Classification Sherloc (09022015). Collection method: clinical testing. Allele origin: germline.

Mayo Clinic Laboratories, Mayo Clinic
Classification: Benign. Last evaluated: 2025-08-19. Review status: criteria provided, single submitter. Criteria: ACMG Guidelines, 2015. Collection method: clinical testing. Allele origin: germline. Observed: 16 variant alleles.

Genome-Nilou Lab
Classification: Benign for Mitochondrial DNA depletion syndrome 14B (cardioencephalomyopathic type). Last evaluated: 2021-09-05. Review status: criteria provided, single submitter. Criteria: ACMG Guidelines, 2015. Collection method: clinical testing. Allele origin: germline. Affected: no.

Genome-Nilou Lab
Classification: Benign for Abortive cerebellar ataxia. Last evaluated: 2021-09-05. Review status: criteria provided, single submitter. Criteria: ACMG Guidelines, 2015. Collection method: clinical testing. Allele origin: germline. Affected: no.

Genome-Nilou Lab
Classification: Benign for Autosomal dominant optic atrophy classic form. Last evaluated: 2021-09-05. Review status: criteria provided, single submitter. Criteria: ACMG Guidelines, 2015. Collection method: clinical testing. Allele origin: germline. Affected: no.

Genome-Nilou Lab
Classification: Benign for Optic atrophy with or without deafness, ophthalmoplegia, myopathy, ataxia, and neuropathy. Last evaluated: 2021-09-05. Review status: criteria provided, single submitter. Criteria: ACMG Guidelines, 2015. Collection method: clinical testing. Allele origin: germline. Affected: no.

Illumina Laboratory Services, Illumina
Classification: Benign for Autosomal dominant optic atrophy classic form. Last evaluated: 2018-01-13. Review status: criteria provided, single submitter. Criteria: ICSL Variant Classification Criteria 13 December 2019. Collection method: clinical testing. Allele origin: germline.
Comment: This variant was observed in the ICSL laboratory as part of a predisposition screen in an ostensibly healthy population. It had not been previously curated by ICSL or reported in the Human Gene Mutation Database (HGMD: prior to June 1st, 2018), and was therefore a candidate for classification through an automated scoring system. Utilizing variant allele frequency, disease prevalence and penetrance estimates, and inheritance mode, an automated score was calculated to assess if this variant is too frequent to cause the disease. Based on the score and internal cut-off values, a variant classified as benign is not then subjected to further curation. The score for this variant resulted in a classification of benign for this disease.

Athena Diagnostics
Classification: Benign. Last evaluated: 2017-12-04. Review status: criteria provided, single submitter. Criteria: Athena Diagnostics Criteria. Collection method: clinical testing. Allele origin: germline.

GeneDx
Classification: Benign. Last evaluated: 2014-04-23. Review status: criteria provided, single submitter. Criteria: GeneDx Variant Classification (06012015). Collection method: clinical testing. Allele origin: germline. Affected: yes.
Comment: This variant is considered likely benign or benign based on one or more of the following criteria: it is a conservative change, it occurs at a poorly conserved position in the protein, it is predicted to be benign by multiple in silico algorithms, and/or has population frequency not consistent with disease.

Eurofins Ntd Llc (ga)
Classification: Benign. Last evaluated: 2013-07-01. Review status: criteria provided, single submitter. Criteria: EGL Classification Definitions 2015. Collection method: clinical testing. Allele origin: germline. Observed: 7 variant alleles, 7 heterozygotes.

Breakthrough Genomics
Classification: Benign. Review status: criteria provided, single submitter. Criteria: ACMG Guidelines, 2015. Collection method: not provided. Allele origin: germline. Inheritance: Autosomal recessive inheritance. Affected: yes.

Literature cited by the submitters: PubMed 16513463 (cited by Athena Diagnostics).

NM_130837.3(OPA1):c.321G>A (p.Ser107=)

Gene: OPA1 (OPA1 mitochondrial dynamin like GTPase; plus strand). Cytogenetic location: 3q29.
Variant type: single nucleotide variant.
Coding change: c.321G>A on transcript NM_130837.3 (MANE Select); coding-DNA position 321, G replaced by A.
Protein change: p.Ser107=; no amino-acid change (serine 107 retained).
Molecular consequence: synonymous variant. On other transcripts: 5 prime UTR variant (2).
Genome position (GRCh38, 1-based): chr3:193,615,011, G>A. VCF-style: chr3-193615011-G-A. GRCh37 (hg19) VCF-style: chr3-193332800-G-A.
Other names: p.S107S:TCG>TCA; p.Ser107=; c.-52G>A (NM_001354663.2, NM_001354664.2); c.321G>A, p.Ser107= (NM_015560.3, NM_130831.3, NM_130832.3 and 4 more transcripts).
Identifiers: ClinVar variation 95724 (VCV000095724.22), dbSNP rs117888848, ClinGen allele CA148777.